The following is an entry in ClinVar:

ClinVar aggregate classification (germline): Uncertain significance. Review status: criteria provided, multiple submitters, no conflicts (2 of 4 stars). 2 submissions from 2 submitters: Uncertain significance (2). Last evaluated 2025-08-27.

Conditions:
Inborn genetic diseases. Identifiers: MedGen C0950123, MeSH D030342.

gnomAD v4.1: 86 of 1,592,174 alleles (0.0054%); highest among the groups gnomAD compares: Admixed American, 0.021%; no homozygotes.

Submissions (2):

Ambry Genetics
Classification: Uncertain significance for Inborn genetic diseases. Last evaluated: 2025-08-27. Review status: criteria provided, single submitter. Criteria: Ambry Variant Classification Scheme 2023. Collection method: clinical testing. Allele origin: germline.

Labcorp Genetics (formerly Invitae), Labcorp
Classification: Uncertain significance. Last evaluated: 2024-10-15. Review status: criteria provided, single submitter. Criteria: Invitae Variant Classification Sherloc (09022015). Collection method: clinical testing. Allele origin: germline.
Comment: This sequence change replaces alanine, which is neutral and non-polar, with valine, which is neutral and non-polar, at codon 573 of the SI protein (p.Ala573Val). This variant is present in population databases (rs199996048, gnomAD 0.02%). This variant has not been reported in the literature in individuals affected with SI-related conditions. Invitae Evidence Modeling of protein sequence and biophysical properties (such as structural, functional, and spatial information, amino acid conservation, physicochemical variation, residue mobility, and thermodynamic stability) has been performed for this missense variant. However, the output from this modeling did not meet the statistical confidence thresholds required to predict the impact of this variant on SI protein function. In summary, the available evidence is currently insufficient to determine the role of this variant in disease. Therefore, it has been classified as a Variant of Uncertain Significance.

NM_001041.4(SI):c.1718C>T (p.Ala573Val)

Gene: SI (sucrase-isomaltase; minus strand). Cytogenetic location: 3q26.1.
Variant type: single nucleotide variant.
Coding change: c.1718C>T on transcript NM_001041.4 (MANE Select); coding-DNA position 1718, C replaced by T.
Protein change: p.Ala573Val; replaces alanine 573 with valine.
Molecular consequence: missense variant.
Genome position (GRCh38, 1-based): chr3:165,047,010, G>A on the plus strand (C>T on the coding strand, the complement: SI is on the minus strand). VCF-style: chr3-165047010-G-A. GRCh37 (hg19) VCF-style: chr3-164764798-G-A.
Other names: c.1718C>T (NM_001041.3); short protein forms A573V.
Identifiers: ClinVar variation 3717742 (VCV003717742.3).